The following is an entry in ClinVar:

NM_000944.5(PPP3CA):c.1536C>A (p.Ser512Arg)

Gene: PPP3CA (protein phosphatase 3 catalytic subunit alpha; minus strand). Cytogenetic location: 4q24.
Variant type: single nucleotide variant.
Coding change: c.1536C>A on transcript NM_000944.5 (MANE Select); coding-DNA position 1536, C replaced by A.
Protein change: p.Ser512Arg; replaces serine 512 with arginine.
Molecular consequence: missense variant.
Genome position (GRCh38, 1-based): chr4:101,025,895, G>T on the plus strand (C>A on the coding strand, the complement: PPP3CA is on the minus strand). VCF-style: chr4-101025895-G-T. GRCh37 (hg19) VCF-style: chr4-101947052-G-T.
Other names: c.1506C>A, p.Ser502Arg (NM_001130691.2); c.1380C>A, p.Ser460Arg (NM_001130692.2); short protein forms S502R, S460R, S512R.
Identifiers: ClinVar variation 4724775 (VCV004724775.1).

ClinVar aggregate classification (germline): Uncertain significance (1 of 4 stars; one submission).

Submission:

Labcorp Genetics (formerly Invitae), Labcorp
Classification: Uncertain significance. Last evaluated: 2025-08-04. Review status: criteria provided, single submitter. Criteria: Invitae Variant Classification Sherloc (09022015). Collection method: clinical testing. Allele origin: germline.
Comment: This sequence change replaces serine, which is neutral and polar, with arginine, which is basic and polar, at codon 512 of the PPP3CA protein (p.Ser512Arg). This variant is not present in population databases (gnomAD no frequency). This variant has not been reported in the literature in individuals affected with PPP3CA-related conditions. Experimental studies and prediction algorithms are not available or were not evaluated, and the functional significance of this variant is currently unknown. In summary, the available evidence is currently insufficient to determine the role of this variant in disease. Therefore, it has been classified as a Variant of Uncertain Significance.